The following is an entry in ClinVar:

ClinVar aggregate classification (germline): Conflicting classifications of pathogenicity. Review status: criteria provided, conflicting classifications (1 of 4 stars). 2 submissions from 2 submitters: Likely pathogenic (1); Uncertain significance (1). Last evaluated 2025-02-04.

Conditions:
Cardiovascular phenotype. Identifiers: MedGen CN230736.
Hereditary cancer-predisposing syndrome. Also called: Hereditary Cancer Syndrome; Neoplastic Syndromes, Hereditary; Tumor predisposition; Hereditary neoplastic syndrome. Identifiers: Orphanet 140162, MedGen C0027672, MeSH D009386, MONDO:0015356.

Submissions (2):

Ambry Genetics
Classification: Likely pathogenic for Cardiovascular phenotype; Hereditary cancer-predisposing syndrome. Last evaluated: 2025-02-04. Review status: criteria provided, single submitter. Criteria: Ambry Variant Classification Scheme 2023. Collection method: clinical testing. Allele origin: germline.
Comment: The p.G192S variant (also known as c.574G>A), located in coding exon 6 of the LZTR1 gene, results from a G to A substitution at nucleotide position 574. The glycine at codon 192 is replaced by serine, an amino acid with similar properties. This variant has been observed in at least one individual with a personal and/or family history that is consistent with LZTR1-related schwannomatosis (Ambry internal data). Based on internal structural analysis, the variant is highly destabilizing to the local structure (Paladino A et al. J Chem Inf Model, 2021 Apr;61:1875-1888; Zhang H et al. Oncol Lett, 2021 Jul;22:564). This amino acid position is highly conserved in available vertebrate species. In addition, this alteration is predicted to be deleterious by in silico analysis. This variant is considered to be rare based on population cohorts in the Genome Aggregation Database (gnomAD). Based on the supporting evidence, this variant is likely pathogenic for an increased risk of LZTR1-related schwannomatosis (SWN). This alteration is also likely to cause autosomal recessive Noonan syndrome when present along with a second pathogenic variant on the other allele.

Labcorp Genetics (formerly Invitae), Labcorp
Classification: Uncertain significance. Last evaluated: 2022-08-04. Review status: criteria provided, single submitter. Criteria: Invitae Variant Classification Sherloc (09022015). Collection method: clinical testing. Allele origin: germline.
Comment: In summary, the available evidence is currently insufficient to determine the role of this variant in disease. Therefore, it has been classified as a Variant of Uncertain Significance. Algorithms developed to predict the effect of missense changes on protein structure and function (SIFT, PolyPhen-2, Align-GVGD) all suggest that this variant is likely to be disruptive. This variant has not been reported in the literature in individuals affected with LZTR1-related conditions. This variant is not present in population databases (gnomAD no frequency). This sequence change replaces glycine, which is neutral and non-polar, with serine, which is neutral and polar, at codon 192 of the LZTR1 protein (p.Gly192Ser).

Literature cited by the submitters: PubMed 33792302 (cited by Ambry Genetics); PubMed 34113392 (cited by Ambry Genetics).

NM_006767.4(LZTR1):c.574G>A (p.Gly192Ser)

Gene: LZTR1 (leucine zipper like post translational regulator 1; plus strand). Cytogenetic location: 22q11.21.
Variant type: single nucleotide variant.
Coding change: c.574G>A on transcript NM_006767.4 (MANE Select); coding-DNA position 574, G replaced by A.
Protein change: p.Gly192Ser; replaces glycine 192 with serine.
Molecular consequence: missense variant.
Genome position (GRCh38, 1-based): chr22:20,988,853, G>A. VCF-style: chr22-20988853-G-A. GRCh37 (hg19) VCF-style: chr22-21343142-G-A.
Other names: c.574G>A (NM_006767.3); short protein forms G192S.
Identifiers: ClinVar variation 2184454 (VCV002184454.7), dbSNP rs2518614178, ClinGen allele CA410780210.
Genomic context (GRCh38, chr22:20,988,853, plus strand): 5'-CCAGTCGCTAGGTCAGCCCATGGGGCCACGGTGTACAGTGACAAGCTGTGGATCTTTGCT[G>A]GCTATGACGGCAACGCCAGGTGGGTGGTGGTCCGGCCTGTGCACCCCACCTCCGACAGCA-3'
Protein context (NP_006758.2, residues 182-202): VYSDKLWIFA[Gly192Ser]YDGNARLNDM